The following is an entry in ClinVar:

ClinVar aggregate classification (germline): Benign/Likely benign. Review status: criteria provided, multiple submitters, no conflicts (2 of 4 stars). 3 submissions from 3 submitters: Benign (1); Likely benign (2). Last evaluated 2026-09-28.

Conditions:
Neurofibromatosis, type 1 (NF1). Also called: Neurofibromatosis, type I; NEUROFIBROMATOSIS, TYPE I, SOMATIC; VON RECKLINGHAUSEN DISEASE; Peripheral type neurofibromatosis. Identifiers: Orphanet 636, MedGen C0027831, MONDO:0018975, OMIM 162200. Disease mechanism: loss of function.
Cardiovascular phenotype. Identifiers: MedGen CN230736.
Hereditary cancer-predisposing syndrome. Also called: Neoplastic Syndromes, Hereditary; Tumor predisposition; Hereditary Cancer Syndrome; Hereditary neoplastic syndrome. Identifiers: Orphanet 140162, MedGen C0027672, MeSH D009386, MONDO:0015356.

Submissions (3):

Myriad Genetics, Inc.
Classification: Benign for Neurofibromatosis, type 1. Last evaluated: 2026-09-28. Review status: criteria provided, single submitter. Criteria: Myriad Autosomal Dominant, Autosomal Recessive and X-Linked Classification Criteria (2023). Collection method: clinical testing. Allele origin: unknown.
Comment: This variant is considered benign. This variant is a silent/synonymous amino acid change and it is not expected to impact splicing.

Labcorp Genetics (formerly Invitae), Labcorp
Classification: Likely benign for Neurofibromatosis, type 1. Last evaluated: 2025-06-22. Review status: criteria provided, single submitter. Criteria: Invitae Variant Classification Sherloc (09022015). Collection method: clinical testing. Allele origin: germline.

Ambry Genetics
Classification: Likely benign for Cardiovascular phenotype; Hereditary cancer-predisposing syndrome. Last evaluated: 2024-09-16. Review status: criteria provided, single submitter. Criteria: Ambry Variant Classification Scheme 2023. Collection method: clinical testing. Allele origin: germline.

NM_001042492.3(NF1):c.4885C>T (p.Leu1629=)

Gene: NF1 (neurofibromin 1; plus strand). Cytogenetic location: 17q11.2.
Variant type: single nucleotide variant.
Coding change: c.4885C>T on transcript NM_001042492.3 (MANE Select); coding-DNA position 4885, C replaced by T.
Protein change: p.Leu1629=; no amino-acid change (leucine 1629 retained).
Molecular consequence: synonymous variant.
Genome position (GRCh38, 1-based): chr17:31,325,869, C>T. VCF-style: chr17-31325869-C-T. GRCh37 (hg19) VCF-style: chr17-29652887-C-T.
Other names: c.4822C>T, p.Leu1608= (NM_000267.4).
Identifiers: ClinVar variation 2152259 (VCV002152259.6), dbSNP rs2151537656, ClinGen allele CA499232941.